The following is an entry in ClinVar:

ClinVar aggregate classification (germline): Uncertain significance. Review status: criteria provided, multiple submitters, no conflicts (2 of 4 stars). 2 submissions from 2 submitters: Uncertain significance (2). Last evaluated 2025-10-12.

Allele frequency attached by ClinVar (database versions not stated): gnomAD 0.00001; gnomAD exomes 0.00002; ExAC 0.00004; TOPMed 0.00005.
gnomAD v4.1: 29 of 1,611,814 alleles (0.0018%); highest among the groups gnomAD compares: South Asian, 0.0077%; no homozygotes.

Submissions (2):

Labcorp Genetics (formerly Invitae), Labcorp
Classification: Uncertain significance. Last evaluated: 2025-10-12. Review status: criteria provided, single submitter. Criteria: Invitae Variant Classification Sherloc (09022015). Collection method: clinical testing. Allele origin: germline.
Comment: This sequence change replaces glutamic acid, which is acidic and polar, with lysine, which is basic and polar, at codon 683 of the RTTN protein (p.Glu683Lys). This variant is present in population databases (rs776898563, gnomAD 0.01%). This variant has not been reported in the literature in individuals affected with RTTN-related conditions. ClinVar contains an entry for this variant (Variation ID: 2167370). Invitae Evidence Modeling of protein sequence and biophysical properties (such as structural, functional, and spatial information, amino acid conservation, physicochemical variation, residue mobility, and thermodynamic stability) indicates that this missense variant is not expected to disrupt RTTN protein function with a negative predictive value of 80%. In summary, the available evidence is currently insufficient to determine the role of this variant in disease. Therefore, it has been classified as a Variant of Uncertain Significance.

GeneDx
Classification: Uncertain significance. Last evaluated: 2023-05-29. Review status: criteria provided, single submitter. Criteria: GeneDx Variant Classification Process June 2021. Collection method: clinical testing. Allele origin: germline. Affected: yes.
Comment: Not observed at significant frequency in large population cohorts (gnomAD); In silico analysis supports that this missense variant does not alter protein structure/function; Has not been previously published as pathogenic or benign to our knowledge

NM_173630.4(RTTN):c.2047G>A (p.Glu683Lys)

Gene: RTTN (rotatin; minus strand). Cytogenetic location: 18q22.2.
Variant type: single nucleotide variant.
Coding change: c.2047G>A on transcript NM_173630.4 (MANE Select); coding-DNA position 2047, G replaced by A.
Protein change: p.Glu683Lys; replaces glutamic acid 683 with lysine.
Molecular consequence: missense variant. On other transcripts: 5 prime UTR variant (1).
Genome position (GRCh38, 1-based): chr18:70,150,616, C>T on the plus strand (G>A on the coding strand, the complement: RTTN is on the minus strand). VCF-style: chr18-70150616-C-T. GRCh37 (hg19) VCF-style: chr18-67817852-C-T.
Other names: c.-601G>A (NM_001318520.2); c.2047G>A (NM_173630.3); short protein forms E683K.
Identifiers: ClinVar variation 2167370 (VCV002167370.5), dbSNP rs776898563, ClinGen allele CA8996007.
Genomic context (GRCh38, chr18:70,150,616, plus strand): 5'-TAGCTGAGTATCTAAGTTACTGTAATATTTTCACTCATGTTTAATGTCATACCTCACTTT[C>T]GGGCTCTTGAATGCCAAATACAGAGATTTCATACAGAACTTTTGGATGAAGTAGAAAATG-3'
Protein context (NP_775901.3, residues 673-693): EISVFGIQEP[Glu683Lys]SEVNTAAKAI